The following is an entry in ClinVar:

NM_021155.4(CD209):c.642G>C (p.Glu214Asp)

Gene: CD209 (CD209 molecule; minus strand). Cytogenetic location: 19p13.2.
Variant type: single nucleotide variant.
Coding change: c.642G>C on transcript NM_021155.4 (MANE Select); coding-DNA position 642, G replaced by C.
Protein change: p.Glu214Asp; replaces glutamic acid 214 with aspartic acid.
Molecular consequence: missense variant. On other transcripts: non-coding transcript variant (1), intron variant (3).
Genome position (GRCh38, 1-based): chr19:7,745,624, C>G on the plus strand (G>C on the coding strand, the complement: CD209 is on the minus strand). VCF-style: chr19-7745624-C-G. GRCh37 (hg19) VCF-style: chr19-7810510-C-G.
Other names: c.510G>C, p.Glu170Asp (NM_001144894.2); c.570G>C, p.Glu190Asp (NM_001144896.2); c.642G>C, p.Glu214Asp (NM_001144897.2); c.340+170G>C (NM_001144893.2); c.265+377G>C (NM_001144899.2); c.472+170G>C (NM_001144895.2); c.642G>C (NM_021155.3); short protein forms E214D, E190D, E170D.
Identifiers: ClinVar variation 625909 (VCV000625909.7), dbSNP rs11465377, ClinGen allele CA9146010.
Genomic context (GRCh38, chr19:7,745,624, plus strand): 5'-CTTAGATTTCTCTGGAAGCTCACCCACTGCAGCCTTCAGCCGGGTCAGCTCCTGGTAGAT[C>G]TCCTGCTGCTTAGATTTCTCTGGAAGCTCACCCACTGCAGCCTTCAGCCGGGTCAGCTCC-3'
Protein context (NP_066978.1, residues 204-224): GELPEKSKQQ[Glu214Asp]IYQELTRLKA

ClinVar aggregate classification (germline): Uncertain significance. Review status: criteria provided, multiple submitters, no conflicts (2 of 4 stars). 3 submissions from 3 submitters: Uncertain significance (2). 1 of the submissions does not count toward it.

Conditions:
Mycobacterium tuberculosis, susceptibility to. Identifiers: MedGen C1834752, OMIM 607948.
Dengue virus, susceptibility to. Identifiers: Orphanet 99828, MedGen C3280582, MONDO:0013713, OMIM 614371.
Susceptibility to HIV infection. Also called: HUMAN IMMUNODEFICIENCY VIRUS TYPE 1, RESISTANCE TO; Human immunodeficiency virus type 1, susceptibility to; HIV-1, SUSCEPTIBILITY TO. Identifiers: MedGen C1836230, MONDO:0004951, OMIM 609423.
CD209-related disorder. Also called: CD209-related condition.

Allele frequency attached by ClinVar (database versions not stated): gnomAD exomes 0.00025 and 0.00030; ExAC 0.00026; gnomAD 0.00936 and 0.01020.
gnomAD v4.1: 1,467 of 617,376 alleles (0.24%); highest among the groups gnomAD compares: African/African-American, 3%; 3 homozygotes.

Submissions (3):

Breakthrough Genomics
Classification: Uncertain significance. Review status: criteria provided, single submitter. Criteria: ACMG Guidelines, 2015. Collection method: not provided. Allele origin: germline. Inheritance: Unknown mechanism. Affected: yes.

Center for Genomics, Ann and Robert H. Lurie Children's Hospital of Chicago
Classification: Uncertain significance for Susceptibility to HIV infection; Mycobacterium tuberculosis, susceptibility to; Dengue virus, susceptibility to. Review status: criteria provided, single submitter. Criteria: ACMG Guidelines, 2015. Collection method: clinical testing. Allele origin: germline.
Comment: CD209 NM_021155.3 exon 4 p.Glu214Asp (c.642G>C):This variant has not been reported in the literature but is present in 0.5% (59/11200) of African alleles, including 1 homozygote in the Genome Aggregation Database. Evolutionary conservation and computational predictive tools for this variant are limited or unavailable. In summary, data on this variant is insufficient for disease classification. Therefore, the clinical significance of this variant is uncertain.

PreventionGenetics, part of Exact Sciences
Classification: Benign for CD209-related condition. Last evaluated: 2019-10-31. Review status: no assertion criteria provided. Collection method: clinical testing. Allele origin: germline. Not counted in ClinVar's aggregate classification.
Comment: This variant is classified as benign based on ACMG/AMP sequence variant interpretation guidelines (Richards et al. 2015 PMID: 25741868, with internal and published modifications).